The following is an entry in ClinVar:

NM_021020.5(LZTS1):c.1675C>A (p.Arg559Ser)

Gene: LZTS1 (leucine zipper tumor suppressor 1; minus strand). Cytogenetic location: 8p21.3.
Variant type: single nucleotide variant.
Coding change: c.1675C>A on transcript NM_021020.5 (MANE Select); coding-DNA position 1675, C replaced by A.
Protein change: p.Arg559Ser; replaces arginine 559 with serine.
Molecular consequence: missense variant.
Genome position (GRCh38, 1-based): chr8:20,249,838, G>T on the plus strand (C>A on the coding strand, the complement: LZTS1 is on the minus strand). VCF-style: chr8-20249838-G-T. GRCh37 (hg19) VCF-style: chr8-20107349-G-T.
Other names: c.1675C>A, p.Arg559Ser (NM_001362884.2); short protein forms R559S.
Identifiers: ClinVar variation 4810408 (VCV004810408.1).

ClinVar aggregate classification (germline): Uncertain significance (1 of 4 stars; one submission).

gnomAD v4.1: 13 of 1,614,188 alleles (0.00081%); highest among the groups gnomAD compares: Non-Finnish European, 0.001%; no homozygotes.

Submission:

Labcorp Genetics (formerly Invitae), Labcorp
Classification: Uncertain significance. Last evaluated: 2026-01-27. Review status: criteria provided, single submitter. Criteria: Invitae Variant Classification Sherloc (09022015). Collection method: clinical testing. Allele origin: germline.
Comment: This sequence change replaces arginine, which is basic and polar, with serine, which is neutral and polar, at codon 559 of the LZTS1 protein (p.Arg559Ser). This variant is present in population databases (no rsID available, gnomAD 0.0009%). This variant has not been reported in the literature in individuals affected with LZTS1-related conditions. Invitae Evidence Modeling of protein sequence and biophysical properties (such as structural, functional, and spatial information, amino acid conservation, physicochemical variation, residue mobility, and thermodynamic stability) indicates that this missense variant is not expected to disrupt LZTS1 protein function with a negative predictive value of 80%. In summary, the available evidence is currently insufficient to determine the role of this variant in disease. Therefore, it has been classified as a Variant of Uncertain Significance.